The following is an entry in ClinVar:

NM_001854.4(COL11A1):c.367G>A (p.Gly123Ser)

Gene: COL11A1 (collagen type XI alpha 1 chain; minus strand). Cytogenetic location: 1p21.1.
Variant type: single nucleotide variant.
Coding change: c.367G>A on transcript NM_001854.4 (MANE Select); coding-DNA position 367, G replaced by A.
Protein change: p.Gly123Ser; replaces glycine 123 with serine.
Molecular consequence: missense variant. On other transcripts: non-coding transcript variant (1).
Genome position (GRCh38, 1-based): chr1:103,078,779, C>T on the plus strand (G>A on the coding strand, the complement: COL11A1 is on the minus strand). VCF-style: chr1-103078779-C-T. GRCh37 (hg19) VCF-style: chr1-103544335-C-T.
Other names: c.367G>A (NM_001854.3); c.367G>A, p.Gly123Ser (NM_001168249.1, NM_001190709.2, NM_080629.3 and 1 more transcripts); short protein forms G123S.
Identifiers: ClinVar variation 3015920 (VCV003015920.4), dbSNP rs1309002302, ClinGen allele CA341167890.

ClinVar aggregate classification (germline): Uncertain significance. Review status: criteria provided, multiple submitters, no conflicts (2 of 4 stars). 2 submissions from 2 submitters: Uncertain significance (2). Last evaluated 2023-11-06.

Allele frequency attached by ClinVar (database versions not stated): gnomAD exomes below 0.00001; TOPMed below 0.00001.

Submissions (2):

GeneDx
Classification: Uncertain significance. Last evaluated: 2023-11-06. Review status: criteria provided, single submitter. Criteria: GeneDx Variant Classification Process June 2021. Collection method: clinical testing. Allele origin: germline. Affected: yes.
Comment: Not observed at significant frequency in large population cohorts (gnomAD); In silico analysis supports that this missense variant has a deleterious effect on protein structure/function; Has not been previously published as pathogenic or benign to our knowledge; Not located in the triple helical region, where the majority of pathogenic missense variants occur (PMID: 25240749; HGMD); This variant is associated with the following publications: (PMID: 25240749)

Labcorp Genetics (formerly Invitae), Labcorp
Classification: Uncertain significance. Last evaluated: 2023-07-29. Review status: criteria provided, single submitter. Criteria: Invitae Variant Classification Sherloc (09022015). Collection method: clinical testing. Allele origin: germline.
Comment: In summary, the available evidence is currently insufficient to determine the role of this variant in disease. Therefore, it has been classified as a Variant of Uncertain Significance. An algorithm developed to predict the effect of missense changes on protein structure and function (PolyPhen-2) suggests that this variant is likely to be disruptive. This variant has not been reported in the literature in individuals affected with COL11A1-related conditions. This variant is present in population databases (no rsID available, gnomAD 0.0009%). This sequence change replaces glycine, which is neutral and non-polar, with serine, which is neutral and polar, at codon 123 of the COL11A1 protein (p.Gly123Ser).